The following is an entry in ClinVar:

ClinVar aggregate classification (germline): Pathogenic (1 of 4 stars; one submission).

Submission:

Labcorp Genetics (formerly Invitae), Labcorp
Classification: Pathogenic. Last evaluated: 2021-06-12. Review status: criteria provided, single submitter. Criteria: Invitae Variant Classification Sherloc (09022015). Collection method: clinical testing. Allele origin: germline.
Comment: This variant has not been reported in the literature in individuals with FGD1-related conditions. For these reasons, this variant has been classified as Pathogenic. This variant is not present in population databases (ExAC no frequency). This sequence change creates a premature translational stop signal (p.Gln363Argfs*6) in the FGD1 gene. It is expected to result in an absent or disrupted protein product. Loss-of-function variants in FGD1 are known to be pathogenic (PMID: 21739585, 23211637, 25046119, 26029706).

Literature cited by the submitters: PubMed 21739585; PubMed 23211637; PubMed 25046119; PubMed 26029706.

NM_004463.3(FGD1):c.1088del (p.Gln363fs)

Gene: FGD1 (FYVE, RhoGEF and PH domain containing 1; minus strand). Cytogenetic location: Xp11.22.
Variant type: Deletion.
Coding change: c.1088del on transcript NM_004463.3 (MANE Select); coding-DNA position 1088, one base deleted (A; older notation c.1088delA).
Protein change: p.Gln363fs; shifts the reading frame from glutamine 363.
Molecular consequence: frameshift variant.
Genome position (GRCh38, 1-based): chrX:54,470,029, T deleted on the plus strand (A on the coding strand, the reverse complement: FGD1 is on the minus strand). VCF-style (leftmost placement, unchanged base first): chrX-54470028-CT-C. GRCh37 (hg19) VCF-style: chrX-54496461-CT-C.
Other names: short protein forms Q363fs.
Identifiers: ClinVar variation 1454559 (VCV001454559.6), dbSNP rs2147435100, ClinGen allele CA2573159003.